The following is an entry in ClinVar:

NM_000135.4(FANCA):c.1477A>G (p.Ile493Val)

Gene: FANCA (FA complementation group A; minus strand). Cytogenetic location: 16q24.3.
Variant type: single nucleotide variant.
Coding change: c.1477A>G on transcript NM_000135.4 (MANE Select); coding-DNA position 1477, A replaced by G.
Protein change: p.Ile493Val; replaces isoleucine 493 with valine.
Molecular consequence: missense variant.
Genome position (GRCh38, 1-based): chr16:89,783,096, T>C on the plus strand (A>G on the coding strand, the complement: FANCA is on the minus strand). VCF-style: chr16-89783096-T-C. GRCh37 (hg19) VCF-style: chr16-89849504-T-C.
Other names: c.1477A>G, p.Ile493Val (NM_001286167.3); c.1477A>G (NM_000135.2); short protein forms I493V.
Identifiers: ClinVar variation 1509520 (VCV001509520.8), dbSNP rs762828757, ClinGen allele CA8252294.

ClinVar aggregate classification (germline): Uncertain significance. Review status: criteria provided, multiple submitters, no conflicts (2 of 4 stars). 5 submissions from 5 submitters: Uncertain significance (5). Last evaluated 2026-10-01.

Conditions:
Fanconi anemia complementation group A (FANCA). Also called: Fanconi anemia, group A; FANCA-Related Fanconi Anemia. Identifiers: Orphanet 84, MedGen C3469521, MONDO:0009215, OMIM 227650.
Inborn genetic diseases. Identifiers: MedGen C0950123, MeSH D030342.
Fanconi anemia (FA). Also called: Fanconi's anemia. Identifiers: Orphanet 84, MedGen C0015625, MeSH D005199, MONDO:0019391.

Allele frequency attached by ClinVar (database versions not stated): gnomAD exomes 0.00001 and 0.00002; TOPMed 0.00001; ExAC 0.00002.
gnomAD v4.1: 12 of 1,612,204 alleles (0.00074%); highest among the groups gnomAD compares: South Asian, 0.0099%; no homozygotes.

Submissions (5):

St. Jude Molecular Pathology, St. Jude Children's Research Hospital
Classification: Uncertain significance for Fanconi anemia complementation group A. Last evaluated: 2026-10-01. Review status: criteria provided, single submitter. Criteria: St. Jude Assertion Criteria 2020. Collection method: clinical testing. Allele origin: germline.
Comment: The FANCA c.1477A>G p.(Ile493Val) missense change has a maximum subpopulation frequency of 0.01% in gnomAD v2.1.1. The in silico tool REVEL is inconclusive about a pathogenic or benign effect of this variant on protein function, and to our knowledge functional studies have not been performed. To our knowledge, this variant has not been reported in individuals with Fanconi anemia. In summary, the evidence currently available is insufficient to determine the clinical significance of this variant. It has therefore been classified as of uncertain significance (VUS-Low).

Ambry Genetics
Classification: Uncertain significance for Inborn genetic diseases. Last evaluated: 2025-01-30. Review status: criteria provided, single submitter. Criteria: Ambry Variant Classification Scheme 2023. Collection method: clinical testing. Allele origin: germline.
Comment: The p.I493V variant (also known as c.1477A>G), located in coding exon 16 of the FANCA gene, results from an A to G substitution at nucleotide position 1477. The isoleucine at codon 493 is replaced by valine, an amino acid with highly similar properties. This amino acid position is conserved. In addition, the in silico prediction for this alteration is inconclusive. Based on the available evidence, the clinical significance of this variant remains unclear.

Center for Genomics, Ann and Robert H. Lurie Children's Hospital of Chicago
Classification: Uncertain significance for Fanconi anemia complementation group A. Last evaluated: 2022-03-18. Review status: criteria provided, single submitter. Criteria: ACMG Guidelines, 2015. Collection method: clinical testing. Allele origin: germline.
Comment: This variant has not been reported in the literature but is present in 0.01% (4/30616) of South Asian alleles in the Genome Aggregation Database. This variant amino acid Valine (Val) is present in several species and is not well conserved among evolutionarily distant species; this suggests that this variant may not impact the protein. Additional computational prediction tools do not suggest an impact. In summary, data on this variant is insufficient for disease classification. Therefore, the clinical significance of this variant is uncertain.

Labcorp Genetics (formerly Invitae), Labcorp
Classification: Uncertain significance for Fanconi anemia. Last evaluated: 2021-09-02. Review status: criteria provided, single submitter. Criteria: Invitae Variant Classification Sherloc (09022015). Collection method: clinical testing. Allele origin: germline.
Comment: This sequence change replaces isoleucine with valine at codon 493 of the FANCA protein (p.Ile493Val). The isoleucine residue is moderately conserved and there is a small physicochemical difference between isoleucine and valine. This variant is present in population databases (rs762828757, ExAC 0.02%). This variant has not been reported in the literature in individuals affected with FANCA-related conditions. Algorithms developed to predict the effect of missense changes on protein structure and function output the following: SIFT: "Tolerated"; PolyPhen-2: "Benign"; Align-GVGD: "Class C0". The valine amino acid residue is found in multiple mammalian species, which suggests that this missense change does not adversely affect protein function. In summary, the available evidence is currently insufficient to determine the role of this variant in disease. Therefore, it has been classified as a Variant of Uncertain Significance.

Fulgent Genetics
Classification: Uncertain significance for Fanconi anemia complementation group A. Last evaluated: 2021-07-12. Review status: criteria provided, single submitter. Criteria: ACMG Guidelines, 2015. Collection method: clinical testing. Allele origin: unknown.